The following is an entry in ClinVar:

NM_006767.4(LZTR1):c.901G>C (p.Gly301Arg)

Gene: LZTR1 (leucine zipper like post translational regulator 1; plus strand). Cytogenetic location: 22q11.21.
Variant type: single nucleotide variant.
Coding change: c.901G>C on transcript NM_006767.4 (MANE Select); coding-DNA position 901, G replaced by C.
Protein change: p.Gly301Arg; replaces glycine 301 with arginine.
Molecular consequence: missense variant.
Genome position (GRCh38, 1-based): chr22:20,991,737, G>C. VCF-style: chr22-20991737-G-C. GRCh37 (hg19) VCF-style: chr22-21346026-G-C.
Other names: short protein forms G301R.
Identifiers: ClinVar variation 2506332 (VCV002506332.3), dbSNP rs1372731834, ClinGen allele CA410781383.
Genomic context (GRCh38, chr22:20,991,737, plus strand): 5'-CCGCAGCGGCGCTACGGGCATACCATGGTGGCCTTTGACCGCCACCTCTATGTGTTTGGG[G>C]GTGCGGCCGACAACACGCTGCCCAACGAGCTGCACTGCTATGACGTGGACTTCCAGACCT-3'
Protein context (NP_006758.2, residues 291-311): AFDRHLYVFG[Gly301Arg]AADNTLPNEL

ClinVar aggregate classification (germline): Uncertain significance. Review status: criteria provided, multiple submitters, no conflicts (2 of 4 stars). 3 submissions from 3 submitters: Uncertain significance (3). Last evaluated 2023-12-22.

Conditions:
LZTR1-related schwannomatosis. Also called: Schwannomatosis-2, susceptibility to; Schwannomatosis 2. Identifiers: Orphanet 93921, MedGen C3810283, MONDO:0014299, OMIM 615670.
Cardiovascular phenotype. Identifiers: MedGen CN230736.
Hereditary cancer-predisposing syndrome. Also called: Hereditary Cancer Syndrome; Hereditary neoplastic syndrome; Neoplastic Syndromes, Hereditary; Tumor predisposition. Identifiers: Orphanet 140162, MedGen C0027672, MeSH D009386, MONDO:0015356.

Submissions (3):

Baylor Genetics
Classification: Uncertain significance for LZTR1-related schwannomatosis. Last evaluated: 2023-12-22. Review status: criteria provided, single submitter. Criteria: ACMG Guidelines, 2015. Collection method: clinical testing. Allele origin: unknown.

Ambry Genetics
Classification: Uncertain significance for Cardiovascular phenotype; Hereditary cancer-predisposing syndrome. Last evaluated: 2023-07-16. Review status: criteria provided, single submitter. Criteria: Ambry Variant Classification Scheme 2023. Collection method: clinical testing. Allele origin: germline.
Comment: The p.G301R variant (also known as c.901G>C), located in coding exon 9 of the LZTR1 gene, results from a G to C substitution at nucleotide position 901. The glycine at codon 301 is replaced by arginine, an amino acid with dissimilar properties. This amino acid position is conserved. In addition, this alteration is predicted to be deleterious by in silico analysis. Since supporting evidence is limited at this time, the clinical significance of this alteration remains unclear.

Women's Health and Genetics/Laboratory Corporation of America, LabCorp
Classification: Uncertain significance. Last evaluated: 2023-05-15. Review status: criteria provided, single submitter. Criteria: LabCorp Variant Classification Summary - May 2015. Collection method: clinical testing. Allele origin: germline.
Comment: Variant summary: LZTR1 c.901G>C (p.Gly301Arg) results in a non-conservative amino acid change in the encoded protein sequence. Five of five in-silico tools predict a damaging effect of the variant on protein function. The variant was absent in 183268 control chromosomes. The available data on variant occurrences in the general population are insufficient to allow any conclusion about variant significance. To our knowledge, no occurrence of c.901G>C in individuals affected with Noonan Syndrome and no experimental evidence demonstrating its impact on protein function have been reported. No clinical diagnostic laboratories have submitted clinical-significance assessments for this variant to ClinVar after 2014. Based on the evidence outlined above, the variant was classified as uncertain significance.